The following is an entry in ClinVar:

NM_022369.4(STRA6):c.826C>T (p.Arg276Cys)

Gene: STRA6 (signaling receptor and transporter of retinol STRA6; minus strand). Cytogenetic location: 15q24.1.
Variant type: single nucleotide variant.
Coding change: c.826C>T on transcript NM_022369.4 (MANE Select); coding-DNA position 826, C replaced by T.
Protein change: p.Arg276Cys; replaces arginine 276 with cysteine.
Molecular consequence: missense variant.
Genome position (GRCh38, 1-based): chr15:74,191,206, G>A on the plus strand (C>T on the coding strand, the complement: STRA6 is on the minus strand). VCF-style: chr15-74191206-G-A. GRCh37 (hg19) VCF-style: chr15-74483547-G-A.
Other names: c.826C>T, p.Arg276Cys (NM_001142617.2, NM_001142618.2); c.799C>T, p.Arg267Cys (NM_001142619.2); c.937C>T, p.Arg313Cys (NM_001199040.2); c.871C>T, p.Arg291Cys (NM_001199041.2); c.943C>T, p.Arg315Cys (NM_001199042.2); short protein forms R267C, R276C, R315C, R291C, R313C.
Identifiers: ClinVar variation 767584 (VCV000767584.15), dbSNP rs142089943, ClinGen allele CA7654838.

ClinVar aggregate classification (germline): Conflicting classifications of pathogenicity. Review status: criteria provided, conflicting classifications (1 of 4 stars). 4 submissions from 4 submitters: Uncertain significance (1); Likely benign (2). 1 of the submissions does not count toward it. Last evaluated 2025-08-29.

Conditions:
STRA6-related disorder. Also called: STRA6-related condition.
Microphthalmia, syndromic 9. Also called: ANOPHTHALMIA, CLINICAL, WITH MILD FACIAL DYSMORPHISM AND VARIABLE MALFORMATIONS OF THE LUNG, HEART, AND DIAPHRAGM; ANOPHTHALMIA/MICROPHTHALMIA AND PULMONARY HYPOPLASIA; PULMONARY AGENESIS, MICROPHTHALMIA, AND DIAPHRAGMATIC DEFECT; SPEAR SYNDROME; Matthew-Wood syndrome. Identifiers: Orphanet 2470, MedGen C1832661, MONDO:0011010, OMIM 601186.

Allele frequency attached by ClinVar (database versions not stated): gnomAD exomes 0.00017 and 0.00024; ExAC 0.00028; TOPMed 0.00085; 1000 Genomes Project 0.00100; gnomAD 0.00106; 1000 Genomes Project 30x 0.00109; ESP Exome Variant Server 0.00115.
gnomAD v4.1: 394 of 1,613,352 alleles (0.024%); highest among the groups gnomAD compares: African/African-American, 0.31%; no homozygotes.

Submissions (4):

Labcorp Genetics (formerly Invitae), Labcorp
Classification: Likely benign for Microphthalmia, syndromic 9. Last evaluated: 2025-08-29. Review status: criteria provided, single submitter. Criteria: Invitae Variant Classification Sherloc (09022015). Collection method: clinical testing. Allele origin: germline.

Revvity Omics, Revvity
Classification: Uncertain significance for Microphthalmia, syndromic 9. Last evaluated: 2023-01-09. Review status: criteria provided, single submitter. Criteria: ACMG Guidelines, 2015. Collection method: clinical testing. Allele origin: germline.

Breakthrough Genomics
Classification: Likely benign. Review status: criteria provided, single submitter. Criteria: ACMG Guidelines, 2015. Collection method: not provided. Allele origin: germline. Inheritance: Autosomal recessive inheritance. Affected: yes.

PreventionGenetics, part of Exact Sciences
Classification: Likely benign for STRA6-related condition. Last evaluated: 2023-04-17. Review status: no assertion criteria provided. Collection method: clinical testing. Allele origin: germline. Not counted in ClinVar's aggregate classification.
Comment: This variant is classified as likely benign based on ACMG/AMP sequence variant interpretation guidelines (Richards et al. 2015 PMID: 25741868, with internal and published modifications).